The following is an entry in ClinVar:

NM_001077350.3(NPRL3):c.1100A>G (p.Lys367Arg)

Genes: HBA-LCR (alpha-globin locus control region; plus strand), NPRL3 (NPR3 like, GATOR1 complex subunit; minus strand). Cytogenetic location: 16p13.3.
Variant type: single nucleotide variant.
Coding change: c.1100A>G on transcript NM_001077350.3 (MANE Select); coding-DNA position 1100, A replaced by G.
Protein change: p.Lys367Arg; replaces lysine 367 with arginine.
Molecular consequence: missense variant.
Genome position (GRCh38, 1-based): chr16:92,657, T>C on the plus strand (A>G on the coding strand, the complement: NPRL3 is on the minus strand). VCF-style: chr16-92657-T-C. GRCh37 (hg19) VCF-style: chr16-142655-T-C.
Other names: c.563A>G, p.Lys188Arg (NM_001039476.3); c.866A>G, p.Lys289Arg (NM_001243247.2); c.1025A>G, p.Lys342Arg (NM_001243248.2, NM_001243249.2); short protein forms K342R, K367R, K188R, K289R.
Identifiers: ClinVar variation 837741 (VCV000837741.8), dbSNP rs776081581, ClinGen allele CA7769451.

ClinVar aggregate classification (germline): Uncertain significance (1 of 4 stars; one submission).

Conditions:
Epilepsy, familial focal, with variable foci 3 (FFEVF3). Identifiers: MedGen C4310708, MONDO:0014925, OMIM 617118.

Allele frequency attached by ClinVar (database versions not stated): gnomAD exomes below 0.00001 and 0.00001; ExAC 0.00001; gnomAD 0.00001; TOPMed 0.00001.
gnomAD v4.1: 14 of 1,613,688 alleles (0.00087%); highest among the groups gnomAD compares: Non-Finnish European, 0.0012%; no homozygotes.

Submission:

Labcorp Genetics (formerly Invitae), Labcorp
Classification: Uncertain significance for Epilepsy, familial focal, with variable foci 3. Last evaluated: 2023-11-15. Review status: criteria provided, single submitter. Criteria: Invitae Variant Classification Sherloc (09022015). Collection method: clinical testing. Allele origin: germline.
Comment: This sequence change replaces lysine, which is basic and polar, with arginine, which is basic and polar, at codon 367 of the NPRL3 protein (p.Lys367Arg). This variant is present in population databases (rs776081581, gnomAD 0.0009%). This variant has not been reported in the literature in individuals affected with NPRL3-related conditions. ClinVar contains an entry for this variant (Variation ID: 837741). Advanced modeling of protein sequence and biophysical properties (such as structural, functional, and spatial information, amino acid conservation, physicochemical variation, residue mobility, and thermodynamic stability) performed at Invitae indicates that this missense variant is not expected to disrupt NPRL3 protein function with a negative predictive value of 80%. Algorithms developed to predict the effect of sequence changes on RNA splicing suggest that this variant may disrupt the consensus splice site. In summary, the available evidence is currently insufficient to determine the role of this variant in disease. Therefore, it has been classified as a Variant of Uncertain Significance.